The following is an entry in ClinVar:

NM_000540.3(RYR1):c.12956_12967dup (p.Arg4322_Leu4323insArgLeuArgArg)

Gene: RYR1 (ryanodine receptor 1; plus strand). Cytogenetic location: 19q13.2.
Variant type: Duplication.
Coding change: c.12956_12967dup on transcript NM_000540.3 (MANE Select); coding-DNA positions 12956 to 12967, 12 bases duplicated (GGCTGCGGCGGC).
Protein change: p.Arg4322_Leu4323insArgLeuArgArg.
Molecular consequence: inframe insertion.
Genome position (GRCh38, 1-based): chr19:38,565,290-38,565,301, GGCTGCGGCGGC duplicated; duplicating any 12 consecutive bases within chr19:38,565,285-38,565,301 gives the same sequence; the c. name uses the placement nearest the transcript's 3' end. VCF-style (leftmost placement, unchanged base first): chr19-38565284-T-TGCGGCGGCTGCG. GRCh37 (hg19) VCF-style: chr19-39055924-T-TGCGGCGGCTGCG.
Other names: c.12941_12952dup, p.Arg4317_Leu4318insArgLeuArgArg (NM_001042723.2).
Identifiers: ClinVar variation 3625693 (VCV003625693.2).

ClinVar aggregate classification (germline): Uncertain significance (1 of 4 stars; one submission).

Conditions:
RYR1-related disorder. Also called: RYR1-related condition; RYR1-related disorders. Identifiers: MedGen CN239331.

Submission:

Labcorp Genetics (formerly Invitae), Labcorp
Classification: Uncertain significance for RYR1-related disorder. Last evaluated: 2024-02-17. Review status: criteria provided, single submitter. Criteria: Invitae Variant Classification Sherloc (09022015). Collection method: clinical testing. Allele origin: germline.
Comment: This variant, c.12956_12967dup, results in the insertion of 4 amino acid(s) of the RYR1 protein (p.Arg4319_Arg4322dup), but otherwise preserves the integrity of the reading frame. This variant is not present in population databases (gnomAD no frequency). This variant has not been reported in the literature in individuals affected with RYR1-related conditions. Experimental studies and prediction algorithms are not available or were not evaluated, and the functional significance of this variant is currently unknown. In summary, the available evidence is currently insufficient to determine the role of this variant in disease. Therefore, it has been classified as a Variant of Uncertain Significance.